The following is an entry in ClinVar:

NM_000059.4(BRCA2):c.3553A>C (p.Thr1185Pro)

Gene: BRCA2 (BRCA2 DNA repair associated; plus strand). Cytogenetic location: 13q13.1.
Variant type: single nucleotide variant.
Coding change: c.3553A>C on transcript NM_000059.4 (MANE Select); coding-DNA position 3553, A replaced by C.
Protein change: p.Thr1185Pro; replaces threonine 1185 with proline.
Molecular consequence: missense variant. On other transcripts: non-coding transcript variant (1), intron variant (2).
Genome position (GRCh38, 1-based): chr13:32,337,908, A>C. VCF-style: chr13-32337908-A-C. GRCh37 (hg19) VCF-style: chr13-32912045-A-C.
Other names: c.3553A>C, p.Thr1185Pro (NM_001406719.1, NM_001406720.1, NM_001432077.1); c.1909+4521A>C (NM_001406721.1); c.425-6650A>C (NM_001406722.1); short protein forms T1185P.
Identifiers: ClinVar variation 4628621 (VCV004628621.1).

ClinVar aggregate classification (germline): Uncertain significance (1 of 4 stars; one submission).

Conditions:
Hereditary cancer-predisposing syndrome. Also called: Neoplastic Syndromes, Hereditary; Tumor predisposition; Hereditary Cancer Syndrome; Hereditary neoplastic syndrome. Identifiers: Orphanet 140162, MedGen C0027672, MeSH D009386, MONDO:0015356.

Submission:

Ambry Genetics
Classification: Uncertain significance for Hereditary cancer-predisposing syndrome. Last evaluated: 2025-09-28. Review status: criteria provided, single submitter. Criteria: Ambry Variant Classification Scheme 2023. Collection method: clinical testing. Allele origin: germline.
Comment: The p.T1185P variant (also known as c.3553A>C), located in coding exon 10 of the BRCA2 gene, results from an A to C substitution at nucleotide position 3553. The threonine at codon 1185 is replaced by proline, an amino acid with highly similar properties. This amino acid position is conserved. In addition, this alteration is predicted to be tolerated by in silico analysis. Based on the available evidence, the clinical significance of this variant remains unclear.